The following is an entry in ClinVar:

NM_006206.6(PDGFRA):c.1712A>G (p.Glu571Gly)

Gene: PDGFRA (platelet derived growth factor receptor alpha; plus strand). Cytogenetic location: 4q12.
Variant type: single nucleotide variant.
Coding change: c.1712A>G on transcript NM_006206.6 (MANE Select); coding-DNA position 1712, A replaced by G.
Protein change: p.Glu571Gly; replaces glutamic acid 571 with glycine.
Molecular consequence: missense variant.
Genome position (GRCh38, 1-based): chr4:54,274,899, A>G. VCF-style: chr4-54274899-A-G. GRCh37 (hg19) VCF-style: chr4-55141066-A-G.
Other names: c.1712A>G, p.Glu571Gly (NM_001347827.2, NM_001347829.2); c.1787A>G, p.Glu596Gly (NM_001347828.2); c.1751A>G, p.Glu584Gly (NM_001347830.2); short protein forms E584G, E596G, E571G.
Identifiers: ClinVar variation 3305477 (VCV003305477.1).

ClinVar aggregate classification (germline): Uncertain significance (1 of 4 stars; one submission).

Conditions:
Hereditary cancer-predisposing syndrome. Also called: Tumor predisposition; Hereditary Cancer Syndrome; Hereditary neoplastic syndrome; Neoplastic Syndromes, Hereditary. Identifiers: Orphanet 140162, MedGen C0027672, MeSH D009386, MONDO:0015356.

Submission:

Ambry Genetics
Classification: Uncertain significance for Hereditary cancer-predisposing syndrome. Last evaluated: 2024-04-26. Review status: criteria provided, single submitter. Criteria: Ambry Variant Classification Scheme 2023. Collection method: clinical testing. Allele origin: germline.
Comment: The p.E571G variant (also known as c.1712A>G), located in coding exon 11 of the PDGFRA gene, results from an A to G substitution at nucleotide position 1712. The glutamic acid at codon 571 is replaced by glycine, an amino acid with similar properties. This amino acid position is conserved. In addition, this alteration is predicted to be deleterious by in silico analysis. Based on the available evidence, the clinical significance of this variant remains unclear.